The following is an entry in ClinVar:

ClinVar aggregate classification (germline): Uncertain significance (1 of 4 stars; one submission).

Submission:

GeneDx
Classification: Uncertain significance. Last evaluated: 2026-04-23. Review status: criteria provided, single submitter. Criteria: GeneDx Variant Classification Process June 2021. Collection method: clinical testing. Allele origin: germline.
Comment: Not observed at significant frequency in large population cohorts (gnomAD); In silico analysis supports that this missense variant has a deleterious effect on protein structure/function; Has not been previously published as pathogenic or benign to our knowledge

NM_006421.5(ARFGEF1):c.1622C>T (p.Ser541Leu)

Gene: ARFGEF1 (ARF guanine nucleotide exchange factor 1; minus strand). Cytogenetic location: 8q13.2.
Variant type: single nucleotide variant.
Coding change: c.1622C>T on transcript NM_006421.5 (MANE Select); coding-DNA position 1622, C replaced by T.
Protein change: p.Ser541Leu; replaces serine 541 with leucine.
Molecular consequence: missense variant. On other transcripts: non-coding transcript variant (1).
Genome position (GRCh38, 1-based): chr8:67,267,393, G>A on the plus strand (C>T on the coding strand, the complement: ARFGEF1 is on the minus strand). VCF-style: chr8-67267393-G-A. GRCh37 (hg19) VCF-style: chr8-68179628-G-A.
Other names: c.1622C>T, p.Ser541Leu (NM_001413184.1, NM_001413185.1, NM_001413186.1 and 7 more transcripts); c.1022C>T, p.Ser341Leu (NM_001413188.1, NM_001413193.1, NM_001413197.1); c.197C>T, p.Ser66Leu (NM_001413196.1); short protein forms S341L, S541L, S66L.
Identifiers: ClinVar variation 5037506 (VCV005037506.1).
Genomic context (GRCh38, chr8:67,267,393, plus strand): 5'-TTTAAAATACCTGCACAAATCCTCGTCAGTGTCTGAATAACCATCCATTTGTGATCAAAT[G>A]AGCTGGTAGAAGTTTCCAAAATGTATAAGAAAATTTCTTTAAAGAACACCTGTGATTAGG-3'
Protein context (NP_006412.2, residues 531-551): FLYILETSTS[Ser541Leu]FDHKWMVIQT